The following is an entry in ClinVar:

ClinVar aggregate classification (germline): Uncertain significance (1 of 4 stars; one submission).

Conditions:
Granulomatous disease, chronic, autosomal recessive, cytochrome b-positive, type 2. Also called: Chronic Granulomatous Disease, Autosomal Recessive, Cytochrome b-Positive, Type II; CGD, AUTOSOMAL RECESSIVE CYTOCHROME b-POSITIVE, TYPE II; GRANULOMATOUS DISEASE, CHRONIC, DUE TO NCF2 DEFICIENCY; GRANULOMATOUS DISEASE, CHRONIC, AUTOSOMAL RECESSIVE, 2; Chronic granulomatous disease due to deficiency of NCF-2. Identifiers: Orphanet 379, MedGen C1856245, MONDO:0009310, OMIM 233710.

gnomAD v4.1: 10 of 1,614,078 alleles (0.00062%); highest among the groups gnomAD compares: Non-Finnish European, 0.00076%; no homozygotes.

Submission:

Labcorp Genetics (formerly Invitae), Labcorp
Classification: Uncertain significance for Granulomatous disease, chronic, autosomal recessive, cytochrome b-positive, type 2. Last evaluated: 2024-02-24. Review status: criteria provided, single submitter. Criteria: Invitae Variant Classification Sherloc (09022015). Collection method: clinical testing. Allele origin: germline.
Comment: This sequence change replaces glutamic acid, which is acidic and polar, with lysine, which is basic and polar, at codon 384 of the NCF2 protein (p.Glu384Lys). This variant is present in population databases (rs770537584, gnomAD 0.0009%). This variant has not been reported in the literature in individuals affected with NCF2-related conditions. Advanced modeling of protein sequence and biophysical properties (such as structural, functional, and spatial information, amino acid conservation, physicochemical variation, residue mobility, and thermodynamic stability) performed at Invitae indicates that this missense variant is not expected to disrupt NCF2 protein function with a negative predictive value of 80%. In summary, the available evidence is currently insufficient to determine the role of this variant in disease. Therefore, it has been classified as a Variant of Uncertain Significance.

NM_000433.4(NCF2):c.1150G>A (p.Glu384Lys)

Gene: NCF2 (neutrophil cytosolic factor 2; minus strand). Cytogenetic location: 1q25.3.
Variant type: single nucleotide variant.
Coding change: c.1150G>A on transcript NM_000433.4 (MANE Select); coding-DNA position 1150, G replaced by A.
Protein change: p.Glu384Lys; replaces glutamic acid 384 with lysine.
Molecular consequence: missense variant.
Genome position (GRCh38, 1-based): chr1:183,563,462, C>T on the plus strand (G>A on the coding strand, the complement: NCF2 is on the minus strand). VCF-style: chr1-183563462-C-T. GRCh37 (hg19) VCF-style: chr1-183532597-C-T.
Other names: c.1150G>A, p.Glu384Lys (NM_001127651.3); c.907G>A, p.Glu303Lys (NM_001190789.2); c.1015G>A, p.Glu339Lys (NM_001190794.2); c.1042G>A, p.Glu348Lys (NM_001410895.1); short protein forms E303K, E339K, E384K, E348K.
Identifiers: ClinVar variation 3666216 (VCV003666216.1).
Genomic context (GRCh38, chr1:183,563,462, plus strand): 5'-GTACCCCTCACAGCTGCCTGCATGGAGCTCACCTCAGCTTAGTGTGTTCCAGCCGGAGCT[C>T]CAGTTTCTTAGACACCATGTCCCGGACCTGGCTGTAGGGGAGCCCGGGCTGAGTCTTCAT-3'
Protein context (NP_000424.2, residues 374-394): QVRDMVSKKL[Glu384Lys]LRLEHTKLSY